The following is an entry in ClinVar:

NM_002691.4(POLD1):c.2563C>A (p.Arg855=)

Gene: POLD1 (DNA polymerase delta 1, catalytic subunit; plus strand). Cytogenetic location: 19q13.33.
Variant type: single nucleotide variant.
Coding change: c.2563C>A on transcript NM_002691.4 (MANE Select); coding-DNA position 2563, C replaced by A.
Protein change: p.Arg855=; no amino-acid change (arginine 855 retained).
Molecular consequence: synonymous variant. On other transcripts: non-coding transcript variant (1).
Genome position (GRCh38, 1-based): chr19:50,414,989, C>A. VCF-style: chr19-50414989-C-A. GRCh37 (hg19) VCF-style: chr19-50918246-C-A.
Other names: c.2563C>A, p.Arg855= (NM_001256849.1); c.2641C>A, p.Arg881= (NM_001308632.1).
Identifiers: ClinVar variation 484342 (VCV000484342.13), dbSNP rs768048535, ClinGen allele CA508186303.

ClinVar aggregate classification (germline): Conflicting classifications of pathogenicity. Review status: criteria provided, conflicting classifications (1 of 4 stars). 2 submissions from 2 submitters: Uncertain significance (1); Likely benign (1). Last evaluated 2022-03-06.

Conditions:
Hereditary cancer-predisposing syndrome. Also called: Tumor predisposition; Hereditary Cancer Syndrome; Hereditary neoplastic syndrome; Neoplastic Syndromes, Hereditary. Identifiers: Orphanet 140162, MedGen C0027672, MeSH D009386, MONDO:0015356.
POLD1-related polyposis and colorectal cancer syndrome (CRCS10). Also called: Colorectal cancer 10; COLORECTAL CANCER, SUSCEPTIBILITY TO, ON CHROMOSOME 19q; Colorectal cancer, susceptibility to, 10. Identifiers: Orphanet 220460, MedGen C2675481, MONDO:0012953, OMIM 612591.

Submissions (2):

Labcorp Genetics (formerly Invitae), Labcorp
Classification: Uncertain significance for POLD1-related polyposis and colorectal cancer syndrome. Last evaluated: 2022-03-06. Review status: criteria provided, single submitter. Criteria: Invitae Variant Classification Sherloc (09022015). Collection method: clinical testing. Allele origin: germline.
Comment: This sequence change affects codon 855 of the POLD1 mRNA. It is a 'silent' change, meaning that it does not change the encoded amino acid sequence of the POLD1 protein. It affects a nucleotide within the consensus splice site. This variant is not present in population databases (gnomAD no frequency). This variant has not been reported in the literature in individuals affected with POLD1-related conditions. ClinVar contains an entry for this variant (Variation ID: 484342). Algorithms developed to predict the effect of sequence changes on RNA splicing suggest that this variant is not likely to affect RNA splicing. In summary, the available evidence is currently insufficient to determine the role of this variant in disease. Therefore, it has been classified as a Variant of Uncertain Significance.

Ambry Genetics
Classification: Likely benign for Hereditary cancer-predisposing syndrome. Last evaluated: 2015-06-22. Review status: criteria provided, single submitter. Criteria: Ambry Variant Classification Scheme 2023. Collection method: clinical testing. Allele origin: germline.